The following is an entry in ClinVar:

NM_000016.6(ACADM):c.1033G>C (p.Asp345His)

Gene: ACADM (acyl-CoA dehydrogenase medium chain; plus strand). Cytogenetic location: 1p31.1.
Variant type: single nucleotide variant.
Coding change: c.1033G>C on transcript NM_000016.6 (MANE Select); coding-DNA position 1033, G replaced by C.
Protein change: p.Asp345His; replaces aspartic acid 345 with histidine.
Molecular consequence: missense variant.
Genome position (GRCh38, 1-based): chr1:75,761,209, G>C. VCF-style: chr1-75761209-G-C. GRCh37 (hg19) VCF-style: chr1-76226894-G-C.
Other names: c.1045G>C, p.Asp349His (NM_001127328.3); c.925G>C, p.Asp309His (NM_001286042.2); c.1132G>C, p.Asp378His (NM_001286043.2); c.466G>C, p.Asp156His (NM_001286044.2); short protein forms D156H, D309H, D345H, D349H, D378H.
Identifiers: ClinVar variation 4819495 (VCV004819495.1).

ClinVar aggregate classification (germline): Likely pathogenic (1 of 4 stars; one submission).

Conditions:
Medium-chain acyl-coenzyme A dehydrogenase deficiency (ACADMD). Also called: MCADD; MCADH DEFICIENCY; MCAD Deficiency; CARNITINE DEFICIENCY SECONDARY TO MEDIUM-CHAIN ACYL-CoA DEHYDROGENASE DEFICIENCY; ACADM DEFICIENCY; Medium chain acyl-CoA dehydrogenase deficiency. Identifiers: Orphanet 42, MedGen C0220710, MONDO:0008721, OMIM 201450.

gnomAD v4.1: 8 of 1,614,084 alleles (0.0005%); highest among the groups gnomAD compares: South Asian, 0.0077%; no homozygotes.

Submission:

North West Genomic Laboratory Hub, Manchester University NHS Foundation Trust
Classification: Likely pathogenic for Medium-chain acyl-coenzyme A dehydrogenase deficiency. Last evaluated: 2025-12-19. Review status: criteria provided, single submitter. Criteria: ACGS Best Practice Guidelines for Variant Classification in Rare Disease 2024. Collection method: clinical testing. Allele origin: germline. Affected: yes.
Comment: PM2_Mod PP4_Supp PP3_Supp PM5_Supp PM3_Mod